The following is an entry in ClinVar:

NM_024105.4(ALG12):c.809G>A (p.Arg270His)

Gene: ALG12 (ALG12 alpha-1,6-mannosyltransferase; minus strand). Cytogenetic location: 22q13.33.
Variant type: single nucleotide variant.
Coding change: c.809G>A on transcript NM_024105.4 (MANE Select); coding-DNA position 809, G replaced by A.
Protein change: p.Arg270His; replaces arginine 270 with histidine.
Molecular consequence: missense variant.
Genome position (GRCh38, 1-based): chr22:49,907,904, C>T on the plus strand (G>A on the coding strand, the complement: ALG12 is on the minus strand). VCF-style: chr22-49907904-C-T. GRCh37 (hg19) VCF-style: chr22-50301552-C-T.
Other names: short protein forms R270H.
Identifiers: ClinVar variation 654196 (VCV000654196.7), dbSNP rs781707642, ClinGen allele CA10300439.
Genomic context (GRCh38, chr22:49,907,904, plus strand): 5'-GCGTGCGTCCTTCTGTCTACCAAGCCCAGGGGGATGAAGAGCAGGCTGCAGCCCAGGCCG[C>T]GGGGCAGGGCTGAGTAGAAGTACCACAGCAGCGGGGAGGTCTGCGGGCTGGGTTAAGGAG-3'
Protein context (NP_077010.1, residues 260-280): LLWYFYSALP[Arg270His]GLGCSLLFIP

ClinVar aggregate classification (germline): Uncertain significance. Review status: criteria provided, multiple submitters, no conflicts (2 of 4 stars). 2 submissions from 2 submitters: Uncertain significance (2). Last evaluated 2025-10-22.

Conditions:
ALG12-congenital disorder of glycosylation (CDG1G). Also called: Congenital disorder of glycosylation, type Ig; ALG12-CDG; CDG Ig. Identifiers: Orphanet 79324, MedGen C2931001, MONDO:0011783, OMIM 607143.
Inborn genetic diseases. Identifiers: MedGen C0950123, MeSH D030342.

Allele frequency attached by ClinVar (database versions not stated): gnomAD 0.00003 and 0.00004; gnomAD exomes 0.00003 and 0.00012; TOPMed 0.00005; ExAC 0.00009.

Submissions (2):

Ambry Genetics
Classification: Uncertain significance for Inborn genetic diseases. Last evaluated: 2025-10-22. Review status: criteria provided, single submitter. Criteria: Ambry Variant Classification Scheme 2023. Collection method: clinical testing. Allele origin: germline.

Labcorp Genetics (formerly Invitae), Labcorp
Classification: Uncertain significance for ALG12-congenital disorder of glycosylation. Last evaluated: 2022-09-27. Review status: criteria provided, single submitter. Criteria: Invitae Variant Classification Sherloc (09022015). Collection method: clinical testing. Allele origin: germline.
Comment: This sequence change replaces arginine, which is basic and polar, with histidine, which is basic and polar, at codon 270 of the ALG12 protein (p.Arg270His). This variant is present in population databases (rs781707642, gnomAD 0.08%). This variant has not been reported in the literature in individuals affected with ALG12-related conditions. ClinVar contains an entry for this variant (Variation ID: 654196). Advanced modeling of protein sequence and biophysical properties (such as structural, functional, and spatial information, amino acid conservation, physicochemical variation, residue mobility, and thermodynamic stability) performed at Invitae indicates that this missense variant is expected to disrupt ALG12 protein function. In summary, the available evidence is currently insufficient to determine the role of this variant in disease. Therefore, it has been classified as a Variant of Uncertain Significance.